The following is an entry in ClinVar:

NM_007294.4(BRCA1):c.2732G>A (p.Gly911Glu)

Gene: BRCA1 (BRCA1 DNA repair associated; minus strand). Cytogenetic location: 17q21.31.
Variant type: single nucleotide variant.
Coding change: c.2732G>A on transcript NM_007294.4 (MANE Select); coding-DNA position 2732, G replaced by A.
Protein change: p.Gly911Glu; replaces glycine 911 with glutamic acid.
Molecular consequence: missense variant. On other transcripts: intron variant (137).
Genome position (GRCh38, 1-based): chr17:43,092,799, C>T on the plus strand (G>A on the coding strand, the complement: BRCA1 is on the minus strand). VCF-style: chr17-43092799-C-T. GRCh37 (hg19) VCF-style: chr17-41244816-C-T.
Other names: c.2519G>A, p.Gly840Glu (NM_001407571.1, NM_001407853.1, NM_001407894.1 and 9 more transcripts); c.2732G>A, p.Gly911Glu (NM_001407581.1, NM_001407582.1, NM_001407583.1 and 30 more transcripts); c.2729G>A, p.Gly910Glu (NM_001407587.1, NM_001407590.1, NM_001407591.1 and 22 more transcripts); c.2723G>A, p.Gly908Glu (NM_001407646.1, NM_001407647.1); c.2651G>A, p.Gly884Glu (NM_001407659.1, NM_001407660.1, NM_001407661.1 and 1 more transcripts); c.2654G>A, p.Gly885Glu (NM_001407663.1, NM_001407653.1, NM_001407654.1 and 4 more transcripts); c.2609G>A, p.Gly870Glu (NM_001407664.1, NM_001407665.1, NM_001407666.1 and 19 more transcripts); c.2606G>A, p.Gly869Glu (NM_001407685.1, NM_001407686.1, NM_001407940.1 and 11 more transcripts); and 41 more; short protein forms G911E, G864E, G783E, G799E, G840E, G844E, G863E, G908E.
Identifiers: ClinVar variation 96908 (VCV000096908.24), dbSNP rs431825392, ClinGen allele CA001801.
Genomic context (GRCh38, chr17:43,092,799, plus strand): 5'-ACAGGAAAGCCTGCAGTGATATTAACTGTCTGTACAGGCTTGATATTAGACTCATTCTTT[C>T]CTTGATTTTCTTCCTTTTGTTCACATTCAAAAGTGACTTTTGGACTTTGTTTCTTTAAGG-3'
Protein context (NP_009225.1, residues 901-921): FECEQKEENQ[Gly911Glu]KNESNIKPVQ

ClinVar aggregate classification (germline): Conflicting classifications of pathogenicity. Review status: criteria provided, conflicting classifications (1 of 4 stars). 6 submissions from 6 submitters: Uncertain significance (4); Likely benign (1). 1 of the submissions does not count toward it. Last evaluated 2024-07-19.

Conditions:
Hereditary cancer-predisposing syndrome. Also called: Hereditary Cancer Syndrome; Neoplastic Syndromes, Hereditary; Hereditary neoplastic syndrome; Tumor predisposition. Identifiers: Orphanet 140162, MedGen C0027672, MeSH D009386, MONDO:0015356.
Breast-ovarian cancer, familial, susceptibility to, 1 (BROVCA1). Also called: BRCA1 Hereditary Breast and Ovarian Cancer; OVARIAN CANCER, SUSCEPTIBILITY TO. Identifiers: Orphanet 145, MedGen C2676676, MONDO:0011450, OMIM 604370. Disease mechanism: loss of function.
Hereditary breast ovarian cancer syndrome. Also called: Hereditary breast and/or ovarian cancer syndrome; Hereditary breast and ovarian cancer syndrome; Hereditary breast and ovarian cancer; Hereditary breast and ovarian cancer syndrome (HBOC); Breast and ovarian cancer; BRCA1- and BRCA2-Associated Hereditary Breast and Ovarian Cancer. Identifiers: Orphanet 145, MedGen C0677776, MeSH D061325, MONDO:0003582. Disease mechanism: loss of function.

Submissions (6):

Ambry Genetics
Classification: Uncertain significance for Hereditary cancer-predisposing syndrome. Last evaluated: 2024-07-19. Review status: criteria provided, single submitter. Criteria: Ambry Variant Classification Scheme 2023. Collection method: clinical testing. Allele origin: germline.
Comment: The p.G911E variant (also known as c.2732G>A), located in coding exon 9 of the BRCA1 gene, results from a G to A substitution at nucleotide position 2732. The glycine at codon 911 is replaced by glutamic acid, an amino acid with similar properties. In one study, this alteration was seen in 1 of 7400 Czech high risk breast and/or ovarian cancer families (Machackova E et al. Klin Onkol, 2019;32:51-71). This amino acid position is not well conserved in available vertebrate species. In addition, the in silico prediction for this alteration is inconclusive. Since supporting evidence is limited at this time, the clinical significance of this alteration remains unclear.

Quest Diagnostics Nichols Institute San Juan Capistrano
Classification: Uncertain significance. Last evaluated: 2024-03-26. Review status: criteria provided, single submitter. Criteria: Quest Diagnostics criteria. Collection method: clinical testing. Allele origin: unknown.
Comment: The BRCA1 c.2732G>A (p.Gly911Glu) variant has been reported in the published literature in a family with suspected hereditary breast/ovarian cancer syndrome (PMID: 31409081 (2019)), and described to be located in a region of the BRCA1 gene that is tolerant to missense sequence changes (PMID: 31911673 (2020)). This variant has not been reported in large, multi-ethnic general populations (Genome Aggregation Database). Analysis of this variant using bioinformatics tools for the prediction of the effect of amino acid changes on protein structure and function yielded conflicting predictions that this variant is benign or damaging. Based on the available information, we are unable to determine the clinical significance of this variant.

Labcorp Genetics (formerly Invitae), Labcorp
Classification: Uncertain significance for Hereditary breast ovarian cancer syndrome. Last evaluated: 2023-11-02. Review status: criteria provided, single submitter. Criteria: Invitae Variant Classification Sherloc (09022015). Collection method: clinical testing. Allele origin: germline.
Comment: This sequence change replaces glycine, which is neutral and non-polar, with glutamic acid, which is acidic and polar, at codon 911 of the BRCA1 protein (p.Gly911Glu). This variant is not present in population databases (gnomAD no frequency). This variant has not been reported in the literature in individuals affected with BRCA1-related conditions. ClinVar contains an entry for this variant (Variation ID: 96908). Advanced modeling of protein sequence and biophysical properties (such as structural, functional, and spatial information, amino acid conservation, physicochemical variation, residue mobility, and thermodynamic stability) performed at Invitae indicates that this missense variant is not expected to disrupt BRCA1 protein function with a negative predictive value of 95%. In summary, the available evidence is currently insufficient to determine the role of this variant in disease. Therefore, it has been classified as a Variant of Uncertain Significance.

University of Washington Department of Laboratory Medicine, University of Washington
Classification: Likely benign for Hereditary cancer-predisposing syndrome. Last evaluated: 2023-03-23. Review status: criteria provided, single submitter. Criteria: Dines et al. (Genet Med. 2020). Collection method: curation. Allele origin: germline.
Comment: Missense variant in a coldspot region where missense variants are very unlikely to be pathogenic (PMID:31911673).

BRCA1 coldspot (exon 11 using historical exon numbering). Reclassification based on statistical prior probability

Color Diagnostics, LLC DBA Color Health
Classification: Uncertain significance for Hereditary cancer-predisposing syndrome. Last evaluated: 2020-03-18. Review status: criteria provided, single submitter. Criteria: ACMG Guidelines, 2015. Collection method: clinical testing. Allele origin: germline.
Comment: This missense variant replaces glycine with glutamic acid at codon 911 of the BRCA1 protein. Computational prediction suggests that this variant may not impact protein structure and function (internally defined REVEL score threshold <= 0.5, PMID: 27666373). Splice site prediction tools suggest that this variant may not impact RNA splicing. To our knowledge, functional studies have not been reported for this variant. This variant has been reported in an family suspected of having familial breast cancer (PMID 31409081). This variant has not been identified in the general population by the Genome Aggregation Database (gnomAD). The available evidence is insufficient to determine the role of this variant in disease conclusively. Therefore, this variant is classified as a Variant of Uncertain Significance.

Sharing Clinical Reports Project (SCRP)
Classification: Uncertain significance for Breast-ovarian cancer, familial 1. Last evaluated: 2007-10-01. Review status: no assertion criteria provided. Collection method: clinical testing. Allele origin: germline. Not counted in ClinVar's aggregate classification.

Literature cited by the submitters: PubMed 31409081 (cited by Ambry Genetics and Quest Diagnostics Nichols Institute San Juan Capistrano); PubMed 31911673 (cited by Quest Diagnostics Nichols Institute San Juan Capistrano).